The following is an entry in ClinVar:

NM_000059.4(BRCA2):c.9667G>T (p.Glu3223Ter)

Gene: BRCA2 (BRCA2 DNA repair associated; plus strand). Cytogenetic location: 13q13.1.
Variant type: single nucleotide variant.
Coding change: c.9667G>T on transcript NM_000059.4 (MANE Select); coding-DNA position 9667, G replaced by T.
Protein change: p.Glu3223Ter; replaces glutamic acid 3223 with a stop codon.
Molecular consequence: nonsense.
Genome position (GRCh38, 1-based): chr13:32,398,180, G>T. VCF-style: chr13-32398180-G-T. GRCh37 (hg19) VCF-style: chr13-32972317-G-T.
Other names: short protein forms E3223*.
Identifiers: ClinVar variation 639735 (VCV000639735.9), dbSNP rs1593201632, ClinGen allele CA387765158.

ClinVar aggregate classification (germline): Pathogenic (1 of 4 stars; one submission).

Conditions:
Hereditary breast ovarian cancer syndrome. Also called: Hereditary breast and ovarian cancer; Hereditary breast and ovarian cancer syndrome (HBOC); BRCA1- and BRCA2-Associated Hereditary Breast and Ovarian Cancer; Hereditary breast and ovarian cancer syndrome; Hereditary breast and/or ovarian cancer syndrome; Breast and ovarian cancer. Identifiers: Orphanet 145, MedGen C0677776, MeSH D061325, MONDO:0003582. Disease mechanism: loss of function.

Submission:

Labcorp Genetics (formerly Invitae), Labcorp
Classification: Pathogenic for Hereditary breast ovarian cancer syndrome. Last evaluated: 2024-05-27. Review status: criteria provided, single submitter. Criteria: Invitae Variant Classification Sherloc (09022015). Collection method: clinical testing. Allele origin: germline.
Comment: This sequence change creates a premature translational stop signal (p.Glu3223*) in the BRCA2 gene. While this is not anticipated to result in nonsense mediated decay, it is expected to disrupt the last 196 amino acid(s) of the BRCA2 protein. This variant is not present in population databases (gnomAD no frequency). This variant has not been reported in the literature in individuals affected with BRCA2-related conditions. ClinVar contains an entry for this variant (Variation ID: 639735). Experimental studies and prediction algorithms are not available or were not evaluated, and the functional significance of this variant is currently unknown. Algorithms developed to predict the effect of sequence changes on RNA splicing suggest that this variant may disrupt the consensus splice site. This variant disrupts a region of the BRCA2 protein in which other variant(s) (p.Tyr3308*) have been determined to be pathogenic (PMID: 17026620, 18593900, 18607349, 22711857). This suggests that this is a clinically significant region of the protein, and that variants that disrupt it are likely to be disease-causing. For these reasons, this variant has been classified as Pathogenic.

Literature cited by the submitters: PubMed 17026620; PubMed 18593900; PubMed 18607349; PubMed 22711857.